The following is an entry in ClinVar:

ClinVar aggregate classification (germline): Uncertain significance. Review status: criteria provided, multiple submitters, no conflicts (2 of 4 stars). 2 submissions from 2 submitters: Uncertain significance (2). Last evaluated 2022-08-23.

Conditions:
Inborn genetic diseases. Identifiers: MedGen C0950123, MeSH D030342.
Gamma-aminobutyric acid transaminase deficiency (GABATD). Also called: GABA aminotransaminase deficiency; GABA transaminase deficiency; Gamma aminobutyrate transaminase deficiency; 4 alpha aminobutyrate transaminase deficiency. Identifiers: Orphanet 2066, MedGen C0342708, MONDO:0013166, OMIM 613163.

Allele frequency attached by ClinVar (database versions not stated): gnomAD exomes below 0.00001; ExAC 0.00001; TOPMed 0.00001; 1000 Genomes Project 0.00020; 1000 Genomes Project 30x 0.00031.
gnomAD v4.1: 2 of 1,613,882 alleles (0.00012%); highest among the groups gnomAD compares: African/African-American, 0.0013%; no homozygotes.

Submissions (2):

Labcorp Genetics (formerly Invitae), Labcorp
Classification: Uncertain significance for Gamma-aminobutyric acid transaminase deficiency. Last evaluated: 2022-08-23. Review status: criteria provided, single submitter. Criteria: Invitae Variant Classification Sherloc (09022015). Collection method: clinical testing. Allele origin: germline.
Comment: ClinVar contains an entry for this variant (Variation ID: 1060948). Algorithms developed to predict the effect of missense changes on protein structure and function output the following: SIFT: "Tolerated"; PolyPhen-2: "Benign"; Align-GVGD: "Class C0". The serine amino acid residue is found in multiple mammalian species, which suggests that this missense change does not adversely affect protein function. In summary, the available evidence is currently insufficient to determine the role of this variant in disease. Therefore, it has been classified as a Variant of Uncertain Significance. This variant is present in population databases (rs540109350, gnomAD 0.003%). This variant has not been reported in the literature in individuals affected with ABAT-related conditions. This sequence change replaces alanine, which is neutral and non-polar, with serine, which is neutral and polar, at codon 70 of the ABAT protein (p.Ala70Ser).

Ambry Genetics
Classification: Uncertain significance for Inborn genetic diseases. Last evaluated: 2021-07-14. Review status: criteria provided, single submitter. Criteria: Ambry Variant Classification Scheme 2023. Collection method: clinical testing. Allele origin: germline.

NM_020686.6(ABAT):c.208G>T (p.Ala70Ser)

Gene: ABAT (4-aminobutyrate aminotransferase; plus strand). Cytogenetic location: 16p13.2.
Variant type: single nucleotide variant.
Coding change: c.208G>T on transcript NM_020686.6 (MANE Select); coding-DNA position 208, G replaced by T.
Protein change: p.Ala70Ser; replaces alanine 70 with serine.
Molecular consequence: missense variant. On other transcripts: intron variant (2).
Genome position (GRCh38, 1-based): chr16:8,750,431, G>T. VCF-style: chr16-8750431-G-T. GRCh37 (hg19) VCF-style: chr16-8844288-G-T.
Other names: c.208G>T (NM_020686.5); c.208G>T, p.Ala70Ser (NM_000663.5, NM_001127448.2, NM_001386600.1 and 11 more transcripts); c.73G>T, p.Ala25Ser (NM_001386611.1, NM_001386612.1, NM_001386613.1); c.101-28G>T (NM_001386610.1); c.71-7326G>T (NM_001386614.1); short protein forms A25S, A70S.
Identifiers: ClinVar variation 1060948 (VCV001060948.10), dbSNP rs540109350, ClinGen allele CA7893025.